The following is an entry in ClinVar:

NC_000014.8:g.(?_88417067)_(88429464_?)del

Gene: GALC (galactosylceramidase; minus strand). Cytogenetic location: 14q31.3.
Variant type: Deletion.
Identifiers: ClinVar variation 1459649 (VCV001459649.4).

ClinVar aggregate classification (germline): Pathogenic (1 of 4 stars; one submission).

Conditions:
Galactosylceramide beta-galactosidase deficiency. Also called: GALACTOCEREBROSIDASE DEFICIENCY; GALC DEFICIENCY; GLOBOID CELL LEUKOENCEPHALOPATHY; Krabbe Disease; Leukodystrophy, Globoid Cell. Identifiers: Orphanet 487, MedGen C0023521, MONDO:0009499, OMIM 245200.

Submission:

Labcorp Genetics (formerly Invitae), Labcorp
Classification: Pathogenic for Galactosylceramide beta-galactosidase deficiency. Last evaluated: 2023-08-21. Review status: criteria provided, single submitter. Criteria: Invitae Variant Classification Sherloc (09022015). Collection method: clinical testing. Allele origin: germline.
Comment: This variant results in the deletion of part of exon 11 (c.1161+264_1187del) of the GALC gene. It is expected to disrupt RNA splicing. Variants that disrupt the donor or acceptor splice site typically lead to a loss of protein function (PMID: 16199547), and loss-of-function variants in GALC are known to be pathogenic (PMID: 7437911, 9272171, 16607461). This variant has not been reported in the literature in individuals affected with GALC-related conditions. This variant disrupts a region of the GALC protein in which other variant(s) (p.Arg396Trp) have been determined to be pathogenic (PMID: 3362311, 9338580, 26795590, 27638592; Invitae). This suggests that this is a clinically significant region of the protein, and that variants that disrupt it are likely to be disease-causing. For these reasons, this variant has been classified as Pathogenic.

Literature cited by the submitters: PubMed 16199547; PubMed 7437911; PubMed 9272171; PubMed 16607461; PubMed 3362311; PubMed 9338580; PubMed 26795590; PubMed 27638592.